The following is an entry in ClinVar:

ClinVar aggregate classification (germline): Conflicting classifications of pathogenicity. Review status: criteria provided, conflicting classifications (1 of 4 stars). 3 submissions from 3 submitters: Uncertain significance (1); Likely benign (2). Last evaluated 2026-02-04.

Allele frequency attached by ClinVar (database versions not stated): gnomAD exomes 0.00001; TOPMed 0.00001; ESP Exome Variant Server 0.00008.

Submissions (3):

GeneDx
Classification: Uncertain significance. Last evaluated: 2026-02-04. Review status: criteria provided, single submitter. Criteria: GeneDx Variant Classification Process June 2021. Collection method: clinical testing. Allele origin: germline.
Comment: In silico analysis suggests that this variant does not alter splicing; Has not been previously published as pathogenic or benign to our knowledge

Labcorp Genetics (formerly Invitae), Labcorp
Classification: Likely benign. Last evaluated: 2024-08-20. Review status: criteria provided, single submitter. Criteria: Invitae Variant Classification Sherloc (09022015). Collection method: clinical testing. Allele origin: germline.

Blueprint Genetics
Classification: Likely benign. Last evaluated: 2023-05-22. Review status: criteria provided, single submitter. Criteria: ACMG Guidelines, 2015. Collection method: clinical testing. Allele origin: germline.

NM_033004.4(NLRP1):c.2874G>A (p.Leu958=)

Gene: NLRP1 (NLR family pyrin domain containing 1; minus strand). Cytogenetic location: 17p13.2.
Variant type: single nucleotide variant.
Coding change: c.2874G>A on transcript NM_033004.4 (MANE Select); coding-DNA position 2874, G replaced by A.
Protein change: p.Leu958=; no amino-acid change (leucine 958 retained).
Molecular consequence: synonymous variant. On other transcripts: intron variant (2).
Genome position (GRCh38, 1-based): chr17:5,536,937, C>T on the plus strand (G>A on the coding strand, the complement: NLRP1 is on the minus strand). VCF-style: chr17-5536937-C-T. GRCh37 (hg19) VCF-style: chr17-5440257-C-T.
Other names: c.2874G>A, p.Leu958= (NM_001033053.3, NM_014922.5); c.2870+2478G>A (NM_033007.4, NM_033006.4); c.2874G>A (NM_033004.3).
Identifiers: ClinVar variation 2169074 (VCV002169074.6), dbSNP rs199965746, ClinGen allele CA287252526.